The following is an entry in ClinVar:

NM_021096.4(CACNA1I):c.1408G>T (p.Glu470Ter)

Gene: CACNA1I (calcium voltage-gated channel subunit alpha1 I; plus strand). Cytogenetic location: 22q13.1.
Variant type: single nucleotide variant.
Coding change: c.1408G>T on transcript NM_021096.4 (MANE Select); coding-DNA position 1408, G replaced by T.
Protein change: p.Glu470Ter; replaces glutamic acid 470 with a stop codon.
Molecular consequence: nonsense.
Genome position (GRCh38, 1-based): chr22:39,646,827, G>T. VCF-style: chr22-39646827-G-T. GRCh37 (hg19) VCF-style: chr22-40042832-G-T.
Other names: c.1408G>T, p.Glu470Ter (NM_001003406.2); short protein forms E470*.
Identifiers: ClinVar variation 3366081 (VCV003366081.1).

ClinVar aggregate classification (germline): Uncertain significance (1 of 4 stars; one submission).

Submission:

GeneDx
Classification: Uncertain significance. Last evaluated: 2023-10-23. Review status: criteria provided, single submitter. Criteria: GeneDx Variant Classification Process June 2021. Collection method: clinical testing. Allele origin: germline. Affected: yes.
Comment: Not observed at significant frequency in large population cohorts (gnomAD); Nonsense variant predicted to result in protein truncation or nonsense mediated decay in a gene or region of a gene for which loss of function is not a well-established mechanism of disease; Has not been previously published as pathogenic or benign to our knowledge